The following is an entry in ClinVar:

NM_000059.4(BRCA2):c.4309A>T (p.Ser1437Cys)

Gene: BRCA2 (BRCA2 DNA repair associated; plus strand). Cytogenetic location: 13q13.1.
Variant type: single nucleotide variant.
Coding change: c.4309A>T on transcript NM_000059.4 (MANE Select); coding-DNA position 4309, A replaced by T.
Protein change: p.Ser1437Cys; replaces serine 1437 with cysteine.
Molecular consequence: missense variant.
Genome position (GRCh38, 1-based): chr13:32,338,664, A>T. VCF-style: chr13-32338664-A-T. GRCh37 (hg19) VCF-style: chr13-32912801-A-T.
Other names: short protein forms S1437C.
Identifiers: ClinVar variation 441304 (VCV000441304.9), dbSNP rs1555283705, ClinGen allele CA387780774.

ClinVar aggregate classification (germline): Conflicting classifications of pathogenicity. Review status: criteria provided, conflicting classifications (1 of 4 stars). 3 submissions from 3 submitters: Uncertain significance (2); Likely benign (1). Last evaluated 2023-03-23.

Conditions:
Hereditary cancer-predisposing syndrome. Also called: Hereditary Cancer Syndrome; Hereditary neoplastic syndrome; Neoplastic Syndromes, Hereditary; Tumor predisposition. Identifiers: Orphanet 140162, MedGen C0027672, MeSH D009386, MONDO:0015356.

Submissions (3):

University of Washington Department of Laboratory Medicine, University of Washington
Classification: Likely benign for Hereditary cancer-predisposing syndrome. Last evaluated: 2023-03-23. Review status: criteria provided, single submitter. Criteria: Dines et al. (Genet Med. 2020). Collection method: curation. Allele origin: germline.
Comment: Missense variant in a coldspot region where missense variants are very unlikely to be pathogenic (PMID:31911673).

BRCA2 exon 11 coldspot. Reclassification based on statistical prior probability.

Ambry Genetics
Classification: Uncertain significance for Hereditary cancer-predisposing syndrome. Last evaluated: 2021-05-26. Review status: criteria provided, single submitter. Criteria: Ambry Variant Classification Scheme 2023. Collection method: clinical testing. Allele origin: germline.
Comment: The p.S1437C variant (also known as c.4309A>T), located in coding exon 10 of the BRCA2 gene, results from an A to T substitution at nucleotide position 4309. The serine at codon 1437 is replaced by cysteine, an amino acid with dissimilar properties. This amino acid position is poorly conserved in available vertebrate species. In addition, this alteration is predicted to be tolerated by in silico analysis. Since supporting evidence is limited at this time, the clinical significance of this alteration remains unclear.

Quest Diagnostics Nichols Institute San Juan Capistrano
Classification: Uncertain significance. Last evaluated: 2018-12-04. Review status: criteria provided, single submitter. Criteria: Quest Diagnostics criteria. Collection method: clinical testing. Allele origin: germline.

Literature cited by the submitters: PubMed 29106415 (cited by Quest Diagnostics Nichols Institute San Juan Capistrano).